The following is an entry in ClinVar:

NM_001375380.1(EBF3):c.1670T>C (p.Val557Ala)

Gene: EBF3 (EBF transcription factor 3; minus strand). Cytogenetic location: 10q26.3.
Variant type: single nucleotide variant.
Coding change: c.1670T>C on transcript NM_001375380.1 (MANE Select); coding-DNA position 1670, T replaced by C.
Protein change: p.Val557Ala; replaces valine 557 with alanine.
Molecular consequence: missense variant.
Genome position (GRCh38, 1-based): chr10:129,840,334, A>G on the plus strand (T>C on the coding strand, the complement: EBF3 is on the minus strand). VCF-style: chr10-129840334-A-G. GRCh37 (hg19) VCF-style: chr10-131638598-A-G.
Other names: c.1535T>C, p.Met512Thr (NM_001005463.3, NM_001375390.1); c.1670T>C, p.Val557Ala (NM_001375379.1); c.1562T>C, p.Met521Thr (NM_001375389.1, NM_001375391.1); c.1454T>C, p.Val485Ala (NM_001375392.1); short protein forms M512T, M521T, V485A, V557A.
Identifiers: ClinVar variation 3375648 (VCV003375648.2).
Genomic context (GRCh38, chr10:129,840,334, plus strand): 5'-CAGGAAGGAGGAGGAGAGGCTTGGGGCCGGACCACGGGCGCGAAGGCGCTCTTCTGTTTC[A>G]CTGCGGAGATGACATTGGCAGGTGAGAATGAGAAAATGCCGTGTGTGCTGCTACAGTTTG-3'
Protein context (NP_001362309.1, residues 547-567): SFSPANVISA[Val557Ala]KQKSAFAPVV

ClinVar aggregate classification (germline): Uncertain significance (1 of 4 stars; one submission).

Submission:

GeneDx
Classification: Uncertain significance. Last evaluated: 2026-04-20. Review status: criteria provided, single submitter. Criteria: GeneDx Variant Classification Process June 2021. Collection method: clinical testing. Allele origin: germline.
Comment: Not observed at significant frequency in large population cohorts (gnomAD); In silico analysis suggests that this missense variant does not alter protein structure/function; Has not been previously published as pathogenic or benign to our knowledge